The following is an entry in ClinVar:

ClinVar aggregate classification (germline): Uncertain significance. Review status: criteria provided, multiple submitters, no conflicts (2 of 4 stars). 2 submissions from 2 submitters: Uncertain significance (2). Last evaluated 2021-07-14.

Conditions:
Hereditary cancer-predisposing syndrome. Also called: Hereditary Cancer Syndrome; Hereditary neoplastic syndrome; Neoplastic Syndromes, Hereditary; Tumor predisposition. Identifiers: Orphanet 140162, MedGen C0027672, MeSH D009386, MONDO:0015356.

Submissions (2):

Ambry Genetics
Classification: Uncertain significance for Hereditary cancer-predisposing syndrome. Last evaluated: 2021-07-14. Review status: criteria provided, single submitter. Criteria: Ambry Variant Classification Scheme 2023. Collection method: clinical testing. Allele origin: germline.
Comment: The p.F570S variant (also known as c.1709T>C), located in coding exon 18 of the RB1 gene, results from a T to C substitution at nucleotide position 1709. The phenylalanine at codon 570 is replaced by serine, an amino acid with highly dissimilar properties. This amino acid position is highly conserved in available vertebrate species. In addition, this alteration is predicted to be deleterious by in silico analysis. Since supporting evidence is limited at this time, the clinical significance of this alteration remains unclear.

Sema4
Classification: Uncertain significance for Hereditary cancer-predisposing syndrome. Last evaluated: 2021-07-09. Review status: criteria provided, single submitter. Criteria: Sema4 Curation Guidelines. Collection method: curation. Allele origin: germline.
Comment: The RB1 c.1709T>C (p.F570S) variant has not been reported in the literature to our knowledge. It was not observed in the large and broad cohorts of the Genome Aggregation Database. The variant has not been reported in ClinVar. In silico tools suggest the impact of the variant on protein function is deleterious, though these predictions have not been confirmed by functional studies. The evidence is insufficient to meet ACMG/AMP criteria for classifying the variant as benign or pathogenic. Thus, the clinical significance of this variant is currently uncertain.

NM_000321.3(RB1):c.1709T>C (p.Phe570Ser)

Gene: RB1 (RB transcriptional corepressor 1; plus strand). Cytogenetic location: 13q14.2.
Variant type: single nucleotide variant.
Coding change: c.1709T>C on transcript NM_000321.3 (MANE Select); coding-DNA position 1709, T replaced by C.
Protein change: p.Phe570Ser; replaces phenylalanine 570 with serine.
Molecular consequence: missense variant.
Genome position (GRCh38, 1-based): chr13:48,453,006, T>C. VCF-style: chr13-48453006-T-C. GRCh37 (hg19) VCF-style: chr13-49027142-T-C.
Other names: short protein forms F570S.
Identifiers: ClinVar variation 1692378 (VCV001692378.3), dbSNP rs2138327013, ClinGen allele CA388165448.